The following is an entry in ClinVar:

ClinVar aggregate classification (germline): Uncertain significance (1 of 4 stars; one submission).

Conditions:
Inborn genetic diseases. Identifiers: MedGen C0950123, MeSH D030342.

Submission:

Ambry Genetics
Classification: Uncertain significance for Inborn genetic diseases. Last evaluated: 2026-03-28. Review status: criteria provided, single submitter. Criteria: Ambry Variant Classification Scheme 2023. Collection method: clinical testing. Allele origin: germline.
Comment: The p.L1465F variant (also known as c.4395A>C), located in coding exon 17 of the FANCM gene, results from an A to C substitution at nucleotide position 4395. The leucine at codon 1465 is replaced by phenylalanine, an amino acid with highly similar properties. This amino acid position is conserved. In addition, this alteration is predicted to be tolerated by in silico analysis. Based on the available evidence, the clinical significance of this variant remains unclear.

NM_020937.4(FANCM):c.4395A>C (p.Leu1465Phe)

Gene: FANCM (FA complementation group M; plus strand). Cytogenetic location: 14q21.2.
Variant type: single nucleotide variant.
Coding change: c.4395A>C on transcript NM_020937.4 (MANE Select); coding-DNA position 4395, A replaced by C.
Protein change: p.Leu1465Phe; replaces leucine 1465 with phenylalanine.
Molecular consequence: missense variant.
Genome position (GRCh38, 1-based): chr14:45,183,782, A>C. VCF-style: chr14-45183782-A-C. GRCh37 (hg19) VCF-style: chr14-45652985-A-C.
Other names: c.4317A>C, p.Leu1439Phe (NM_001308133.2); short protein forms L1439F, L1465F.
Identifiers: ClinVar variation 4871047 (VCV004871047.1).
Genomic context (GRCh38, chr14:45,183,782, plus strand): 5'-CTAGGAAGAAAATATTTTTTTCTTATGCAAGAATTTTGTCGAATTATTATAGTCAGAATT[A>C]TCATCTAGTGATGAGAGTGAGAATTTTCCCAAACCATGTTCACAATTAGAAGACTTCAAG-3'
Protein context (NP_065988.1, residues 1455-1475): KRRFPINRSE[Leu1465Phe]SSSDESENFP